The following is an entry in ClinVar:

NM_015335.5(MED13L):c.5278C>G (p.Arg1760Gly)

Gene: MED13L (mediator complex subunit 13L; minus strand). Cytogenetic location: 12q24.21.
Variant type: single nucleotide variant.
Coding change: c.5278C>G on transcript NM_015335.5 (MANE Select); coding-DNA position 5278, C replaced by G.
Protein change: p.Arg1760Gly; replaces arginine 1760 with glycine.
Molecular consequence: missense variant.
Genome position (GRCh38, 1-based): chr12:115,980,836, G>C on the plus strand (C>G on the coding strand, the complement: MED13L is on the minus strand). VCF-style: chr12-115980836-G-C. GRCh37 (hg19) VCF-style: chr12-116418641-G-C.
Other names: short protein forms R1760G.
Identifiers: ClinVar variation 5043483 (VCV005043483.1).

ClinVar aggregate classification (germline): Uncertain significance (1 of 4 stars; one submission).

Conditions:
Cardiac anomalies - developmental delay - facial dysmorphism syndrome (MRFACD). Also called: MED13L Syndrome; Impaired intellectual development and distinctive facial features with or without cardiac defects. Identifiers: Orphanet 369891, MedGen C5192431, MONDO:0014773, OMIM 616789.

gnomAD v4.1: 1 of 1,613,666 alleles (0.000062%); highest among the groups gnomAD compares: Non-Finnish European, 0.000085%; no homozygotes.

Submission:

MVZ Martinsried, Medicover Genetics
Classification: Uncertain significance for Cardiac anomalies - developmental delay - facial dysmorphism syndrome. Last evaluated: 2026-08-24. Review status: criteria provided, single submitter. Criteria: ClinGen Variant Curation SOP V3.2 + Classification Guidance July2025. Collection method: clinical testing. Allele origin: inherited. Affected: yes. Observed: 1 heterozygote.
Comment: PP3_Moderate, PM2_Supporting, PP2